The following is an entry in ClinVar:

ClinVar aggregate classification (germline): Conflicting classifications of pathogenicity. Review status: criteria provided, conflicting classifications (1 of 4 stars). 2 submissions from 2 submitters: Uncertain significance (1); Likely benign (1). Last evaluated 2025-05-11.

Conditions:
Hypokalemic periodic paralysis, type 1. Also called: Hypokalemic Periodic Paralysis Type 1 (AD); HypoPP. Identifiers: Orphanet 681, MedGen C3714580, MONDO:0042979, OMIM 170400.
Malignant hyperthermia, susceptibility to, 5 (MHS5). Also called: CACNA1S-Related Malignant Hyperthermia Susceptibility. Identifiers: Orphanet 423, MedGen C1866077, MONDO:0011163, OMIM 601887.

Allele frequency attached by ClinVar (database versions not stated): gnomAD 0.00001; gnomAD exomes 0.00003 and 0.00005; ExAC 0.00005.
gnomAD v4.1: 43 of 1,614,194 alleles (0.0027%); highest among the groups gnomAD compares: South Asian, 0.047%; no homozygotes.

Submissions (2):

Labcorp Genetics (formerly Invitae), Labcorp
Classification: Likely benign for Hypokalemic periodic paralysis, type 1; Malignant hyperthermia, susceptibility to, 5. Last evaluated: 2025-05-11. Review status: criteria provided, single submitter. Criteria: Invitae Variant Classification Sherloc (09022015). Collection method: clinical testing. Allele origin: germline.

All of Us Research Program, National Institutes of Health
Classification: Uncertain significance for Malignant hyperthermia, susceptibility to, 5. Last evaluated: 2024-02-05. Review status: criteria provided, single submitter. Criteria: ACMG Guidelines, 2015. Collection method: clinical testing. Allele origin: germline. Inheritance: Autosomal dominant inheritance. Observed: 1 variant allele, 1 heterozygote.
Comment: This missense variant replaces histidine with aspartic acid at codon 992 of the CACNA1S protein. Computational prediction suggests that this variant may have deleterious impact on protein structure and function (internally defined REVEL score threshold >= 0.7, PMID: 27666373). To our knowledge, functional studies have not been reported for this variant. This variant has been reported in an individual affected with malignant hyperthermia susceptibility (PMID: 30236257). This variant has been identified in 13/251222 chromosomes in the general population by the Genome Aggregation Database (gnomAD). The available evidence is insufficient to determine the role of this variant in disease conclusively. Therefore, this variant is classified as a Variant of Uncertain Significance.

This study involves interpretation of variants in research participants for the purpose of population health screening. Participant phenotype was not available at the time of variant classification. Additional details can be found in publication PMID: 35346344, PMCID: PMC8962531

Literature cited by the submitters: PubMed 30236257 (cited by All of Us Research Program, National Institutes of Health).

NM_000069.3(CACNA1S):c.2974C>G (p.His992Asp)

Gene: CACNA1S (calcium voltage-gated channel subunit alpha1 S; minus strand). Cytogenetic location: 1q32.1.
Variant type: single nucleotide variant.
Coding change: c.2974C>G on transcript NM_000069.3 (MANE Select); coding-DNA position 2974, C replaced by G.
Protein change: p.His992Asp; replaces histidine 992 with aspartic acid.
Molecular consequence: missense variant.
Genome position (GRCh38, 1-based): chr1:201,062,023, G>C on the plus strand (C>G on the coding strand, the complement: CACNA1S is on the minus strand). VCF-style: chr1-201062023-G-C. GRCh37 (hg19) VCF-style: chr1-201031151-G-C.
Other names: short protein forms H992D.
Identifiers: ClinVar variation 1056108 (VCV001056108.10), dbSNP rs527520015, ClinGen allele CA079461.